The following is an entry in ClinVar:

NM_000038.6(APC):c.116C>G (p.Thr39Ser)

Gene: APC (APC regulator of Wnt signaling pathway; plus strand). Cytogenetic location: 5q22.2.
Variant type: single nucleotide variant.
Coding change: c.116C>G on transcript NM_000038.6 (MANE Select); coding-DNA position 116, C replaced by G.
Protein change: p.Thr39Ser; replaces threonine 39 with serine.
Molecular consequence: missense variant. On other transcripts: 5 prime UTR variant (1), intron variant (8).
Genome position (GRCh38, 1-based): chr5:112,755,006, C>G. VCF-style: chr5-112755006-C-G. GRCh37 (hg19) VCF-style: chr5-112090703-C-G.
Other names: c.116C>G, p.Thr39Ser (NM_001127510.3, NM_001354895.2, NM_001354896.2 and 2 more transcripts); c.-920C>G (NM_001354906.2); c.166-11320C>G (NM_001354897.2, NM_001354902.2, NM_001127511.3); c.61-11320C>G (NM_001354898.2, NM_001354904.2); c.-42-11320C>G (NM_001354900.2, NM_001354901.2, NM_001354905.2); short protein forms T39S.
Identifiers: ClinVar variation 630724 (VCV000630724.13), dbSNP rs1561445008, ClinGen allele CA16021596.

ClinVar aggregate classification (germline): Uncertain significance. Review status: criteria provided, multiple submitters, no conflicts (2 of 4 stars). 2 submissions from 2 submitters: Uncertain significance (2). Last evaluated 2022-09-27.

Conditions:
Hereditary cancer-predisposing syndrome. Also called: Tumor predisposition; Neoplastic Syndromes, Hereditary; Hereditary neoplastic syndrome; Hereditary Cancer Syndrome. Identifiers: Orphanet 140162, MedGen C0027672, MeSH D009386, MONDO:0015356.
Familial adenomatous polyposis 1 (FAP1). Also called: POLYPOSIS, ADENOMATOUS INTESTINAL; FAMILIAL ADENOMATOUS POLYPOSIS 1, ATTENUATED. Identifiers: MedGen C2713442, MONDO:0021056, OMIM 175100. Disease mechanism: loss of function.

Allele frequency attached by ClinVar (database versions not stated): gnomAD exomes below 0.00001.
gnomAD v4.1: 2 of 1,613,704 alleles (0.00012%); highest among the groups gnomAD compares: Non-Finnish European, 0.00017%; no homozygotes.

Submissions (2):

Labcorp Genetics (formerly Invitae), Labcorp
Classification: Uncertain significance for Familial adenomatous polyposis 1. Last evaluated: 2022-09-27. Review status: criteria provided, single submitter. Criteria: Invitae Variant Classification Sherloc (09022015). Collection method: clinical testing. Allele origin: germline.
Comment: This sequence change replaces threonine, which is neutral and polar, with serine, which is neutral and polar, at codon 39 of the APC protein (p.Thr39Ser). This variant is not present in population databases (gnomAD no frequency). This variant has not been reported in the literature in individuals affected with APC-related conditions. ClinVar contains an entry for this variant (Variation ID: 630724). Advanced modeling of protein sequence and biophysical properties (such as structural, functional, and spatial information, amino acid conservation, physicochemical variation, residue mobility, and thermodynamic stability) performed at Invitae indicates that this missense variant is not expected to disrupt APC protein function. Algorithms developed to predict the effect of sequence changes on RNA splicing suggest that this variant may create or strengthen a splice site. In summary, the available evidence is currently insufficient to determine the role of this variant in disease. Therefore, it has been classified as a Variant of Uncertain Significance.

Color Diagnostics, LLC DBA Color Health
Classification: Uncertain significance for Hereditary cancer-predisposing syndrome. Last evaluated: 2019-05-31. Review status: criteria provided, single submitter. Criteria: ACMG Guidelines, 2015. Collection method: clinical testing. Allele origin: germline.